The following is an entry in ClinVar:

ClinVar aggregate classification (germline): Conflicting classifications of pathogenicity. Review status: criteria provided, conflicting classifications (1 of 4 stars). 3 submissions from 3 submitters: Uncertain significance (1); Benign (1); Likely benign (1). Last evaluated 2026-08-23.

Conditions:
Inborn genetic diseases. Identifiers: MedGen C0950123, MeSH D030342.
KMT2D-related disorder. Also called: KMT2D-Related Disorders.
Kabuki syndrome. Also called: NIIKAWA-KUROKI SYNDROME; Kabuki make-up syndrome. Identifiers: Orphanet 2322, MedGen C0796004, MONDO:0016512.

Allele frequency attached by ClinVar (database versions not stated): ExAC 0.00001; gnomAD exomes 0.00001; gnomAD 0.00002; TOPMed 0.00002; ESP Exome Variant Server 0.00008.
gnomAD v4.1: 14 of 1,613,904 alleles (0.00087%); highest among the groups gnomAD compares: African/African-American, 0.0013%; no homozygotes.

Submissions (3):

PreventionGenetics, part of Exact Sciences
Classification: Uncertain significance for KMT2D-related condition. Last evaluated: 2026-08-23. Review status: criteria provided, single submitter. Criteria: ACMG Guidelines, 2015. Collection method: clinical testing. Allele origin: germline.
Comment: The KMT2D c.10262T>C variant is predicted to result in the amino acid substitution p.Ile3421Thr. To our knowledge, this variant has not been reported in the literature. This variant is reported in 0.0065% of alleles in individuals of African descent in gnomAD. At this time, the clinical significance of this variant is uncertain due to the absence of conclusive functional and genetic evidence.

Labcorp Genetics (formerly Invitae), Labcorp
Classification: Benign for Kabuki syndrome. Last evaluated: 2025-03-17. Review status: criteria provided, single submitter. Criteria: Invitae Variant Classification Sherloc (09022015). Collection method: clinical testing. Allele origin: germline.

Ambry Genetics
Classification: Likely benign for Inborn genetic diseases. Last evaluated: 2024-02-22. Review status: criteria provided, single submitter. Criteria: Ambry Variant Classification Scheme 2023. Collection method: clinical testing. Allele origin: germline.

NM_003482.4(KMT2D):c.10262T>C (p.Ile3421Thr)

Gene: KMT2D (lysine methyltransferase 2D; minus strand). Cytogenetic location: 12q13.12.
Variant type: single nucleotide variant.
Coding change: c.10262T>C on transcript NM_003482.4 (MANE Select); coding-DNA position 10262, T replaced by C.
Protein change: p.Ile3421Thr; replaces isoleucine 3421 with threonine.
Molecular consequence: missense variant.
Genome position (GRCh38, 1-based): chr12:49,034,905, A>G on the plus strand (T>C on the coding strand, the complement: KMT2D is on the minus strand). VCF-style: chr12-49034905-A-G. GRCh37 (hg19) VCF-style: chr12-49428688-A-G.
Other names: short protein forms I3421T.
Identifiers: ClinVar variation 2194745 (VCV002194745.6), dbSNP rs377548063, ClinGen allele CA6546560.